The following is an entry in ClinVar:

ClinVar aggregate classification (germline): Uncertain significance (1 of 4 stars; one submission).

Conditions:
Werner syndrome (WRN). Identifiers: Orphanet 902, MedGen C0043119, MONDO:0010196, OMIM 277700.

Submission:

Labcorp Genetics (formerly Invitae), Labcorp
Classification: Uncertain significance for Werner syndrome. Last evaluated: 2022-05-10. Review status: criteria provided, single submitter. Criteria: Invitae Variant Classification Sherloc (09022015). Collection method: clinical testing. Allele origin: germline.
Comment: In summary, the available evidence is currently insufficient to determine the role of this variant in disease. Therefore, it has been classified as a Variant of Uncertain Significance. This sequence change replaces glutamic acid, which is acidic and polar, with lysine, which is basic and polar, at codon 1390 of the WRN protein (p.Glu1390Lys). This variant is not present in population databases (gnomAD no frequency). This variant has not been reported in the literature in individuals affected with WRN-related conditions. Algorithms developed to predict the effect of missense changes on protein structure and function output the following: SIFT: "Not Available"; PolyPhen-2: "Benign"; Align-GVGD: "Not Available". The lysine amino acid residue is found in multiple mammalian species, which suggests that this missense change does not adversely affect protein function. Algorithms developed to predict the effect of sequence changes on RNA splicing suggest that this variant may create or strengthen a splice site.

NM_000553.6(WRN):c.4168G>A (p.Glu1390Lys)

Gene: WRN (WRN RecQ like helicase; plus strand). Cytogenetic location: 8p12.
Variant type: single nucleotide variant.
Coding change: c.4168G>A on transcript NM_000553.6 (MANE Select); coding-DNA position 4168, G replaced by A.
Protein change: p.Glu1390Lys; replaces glutamic acid 1390 with lysine.
Molecular consequence: missense variant.
Genome position (GRCh38, 1-based): chr8:31,167,207, G>A. VCF-style: chr8-31167207-G-A. GRCh37 (hg19) VCF-style: chr8-31024723-G-A.
Other names: short protein forms E1390K.
Identifiers: ClinVar variation 2139016 (VCV002139016.4), dbSNP rs1803932281, ClinGen allele CA370910006.